The following is an entry in ClinVar:

NM_000540.3(RYR1):c.658C>T (p.Arg220Cys)

Gene: RYR1 (ryanodine receptor 1; plus strand). Cytogenetic location: 19q13.2.
Variant type: single nucleotide variant.
Coding change: c.658C>T on transcript NM_000540.3 (MANE Select); coding-DNA position 658, C replaced by T.
Protein change: p.Arg220Cys; replaces arginine 220 with cysteine.
Molecular consequence: missense variant.
Genome position (GRCh38, 1-based): chr19:38,446,498, C>T. VCF-style: chr19-38446498-C-T. GRCh37 (hg19) VCF-style: chr19-38937138-C-T.
Other names: c.658C>T, p.Arg220Cys (NM_001042723.2); short protein forms R220C.
Identifiers: ClinVar variation 870622 (VCV000870622.4), dbSNP rs1220780685, ClinGen allele CA405679405.
Genomic context (GRCh38, chr19:38,446,498, plus strand): 5'-CTCCCATTGACCAACTTCCCTTGCTCCTCTCCAGGCTTCGTGACGGGAGGTCACGTCCTC[C>T]GCCTCTTTCATGGACATATGGATGAGTGTCTGACCATTTCCCCTGCTGACAGTGATGACC-3'
Protein context (NP_000531.2, residues 210-230): EGFVTGGHVL[Arg220Cys]LFHGHMDECL

ClinVar aggregate classification (germline): Conflicting classifications of pathogenicity. Review status: criteria provided, conflicting classifications (1 of 4 stars). 3 submissions from 3 submitters: Likely pathogenic (1); Uncertain significance (2). Last evaluated 2024-05-14.

Conditions:
Congenital multicore myopathy with external ophthalmoplegia (CMYO1B). Also called: MULTICORE MYOPATHY; Minicore myopathy with external ophthalmoplegia; Congenital myopathy 1B, autosomal recessive; Minicore myopathy; MULTIMINICORE DISEASE WITH EXTERNAL OPHTHALMOPLEGIA. Identifiers: Orphanet 598, Orphanet 98905, MedGen C1850674, MONDO:0009712, OMIM 255320, HP:0003789.
Malignant hyperthermia, susceptibility to, 1 (MHS1). Also called: Anesthesia related hyperthermia; Malignant hyperpyrexia; Fulminating hyperpyrexia; Pharmacogenic myopathy; Malignant hyperthermia suceptibility 1; RYR1-Related Malignant Hyperthermia Susceptibility. Identifiers: Orphanet 423, MedGen C2930980, MONDO:0007783, OMIM 145600.
RYR1-related disorder. Also called: RYR1-related disorders; RYR1-related condition. Identifiers: MedGen CN239331.

Allele frequency attached by ClinVar (database versions not stated): gnomAD exomes 0.00001.
gnomAD v4.1: 8 of 1,614,148 alleles (0.0005%); highest among the groups gnomAD compares: South Asian, 0.0066%; no homozygotes.

Submissions (3):

All of Us Research Program, National Institutes of Health
Classification: Uncertain significance for Malignant hyperthermia, susceptibility to, 1. Last evaluated: 2024-05-14. Review status: criteria provided, single submitter. Criteria: ACMG Guidelines, 2015. Collection method: clinical testing. Allele origin: germline. Inheritance: Autosomal dominant inheritance. Observed: 1 variant allele, 1 heterozygote.
Comment: This missense variant replaces arginine with cysteine at codon 220 of the RYR1 protein. Computational prediction tools are inconclusive regarding the role of this variant in RYR1 protein structure and function. To our knowledge, functional studies have not been reported for this variant. This variant has not been reported in individuals affected with malignant hyperthermia susceptibility in the literature but has been observed in individuals with congenital myopathy (ClinVar variation ID: 870622). This variant has been identified in 2/251470 chromosomes in the general population by the Genome Aggregation Database (gnomAD). The available evidence is insufficient to determine the role of this variant in autosomal dominant malignant hyperthermia susceptibility conclusively. Therefore, this variant is classified as a Variant of Uncertain Significance.

This study involves interpretation of variants in research participants for the purpose of population health screening. Participant phenotype was not available at the time of variant classification. Additional details can be found in publication PMID: 35346344, PMCID: PMC8962531

Labcorp Genetics (formerly Invitae), Labcorp
Classification: Uncertain significance for RYR1-related disorder. Last evaluated: 2022-09-07. Review status: criteria provided, single submitter. Criteria: Invitae Variant Classification Sherloc (09022015). Collection method: clinical testing. Allele origin: germline.
Comment: This sequence change replaces arginine, which is basic and polar, with cysteine, which is neutral and slightly polar, at codon 220 of the RYR1 protein (p.Arg220Cys). This variant is present in population databases (no rsID available, gnomAD 0.01%). This missense change has been observed in individual(s) with autosomal recessive RYR1-related conditions (PMID: 27353517). ClinVar contains an entry for this variant (Variation ID: 870622). Advanced modeling of protein sequence and biophysical properties (such as structural, functional, and spatial information, amino acid conservation, physicochemical variation, residue mobility, and thermodynamic stability) performed at Invitae indicates that this missense variant is expected to disrupt RYR1 protein function. In summary, the available evidence is currently insufficient to determine the role of this variant in disease. Therefore, it has been classified as a Variant of Uncertain Significance.

Pediatric Department, Peking University First Hospital
Classification: Likely pathogenic for Congenital multicore myopathy with external ophthalmoplegia. Last evaluated: 2020-04-11. Review status: criteria provided, single submitter. Criteria: ACMG Guidelines, 2015. Collection method: provider interpretation. Allele origin: paternal. Affected: yes.

Literature cited by the submitters: PubMed 27353517 (cited by Labcorp Genetics (formerly Invitae), Labcorp).